The following continues an entry in ClinVar:

NM_000350.3(ABCA4):c.4469G>A (p.Cys1490Tyr)

Gene: ABCA4. ClinVar aggregate classification (germline): Pathogenic. Pathogenic (1).

Submissions 9 to 26 of 26:

Fulgent Genetics
Classification: Pathogenic for Age related macular degeneration 2; Severe early-childhood-onset retinal dystrophy; Retinitis pigmentosa 19; Cone-rod dystrophy 3. Last evaluated: 2024-05-21. Review status: criteria provided, single submitter. Criteria: ACMG Guidelines, 2015. Collection method: clinical testing. Allele origin: germline. Not counted in ClinVar's aggregate classification.

GeneDx
Classification: Pathogenic. Last evaluated: 2022-09-28. Review status: criteria provided, single submitter. Criteria: GeneDx Variant Classification Process June 2021. Collection method: clinical testing. Allele origin: germline. Affected: yes. Not counted in ClinVar's aggregate classification.
Comment: Published functional studies demonstrate a damaging effect with reduced basal and retinal ATPase activities relative to wild-type as well as impaired protein folding and localization (Sun et al., 2000; Wiszniewski et al., 2005); In silico analysis supports that this missense variant has a deleterious effect on protein structure/function; This variant is associated with the following publications: (PMID: 24713488, 25472526, 9973280, 31429209, 32531858, 33706644, 34758253, 35456422, 23695285, 25082885, 25097241, 26261413, 16103129, 28118664, 29310964, 15161829, 16917483, 30204727, 29925512, 32467599, 31980526, 32581362, 31589614, 32619608, 11017087)

Institute of Human Genetics, Univ. Regensburg, Univ. Regensburg
Classification: Pathogenic for Retinal dystrophy. Last evaluated: 2022-01-01. Review status: criteria provided, single submitter. Criteria: ACMG Guidelines, 2015. Collection method: clinical testing. Allele origin: germline. Affected: yes. Not counted in ClinVar's aggregate classification.

Centre of Medical Genetics, University Hospital Muenster
Classification: Pathogenic. Last evaluated: 2021-12-16. Review status: criteria provided, single submitter. Criteria: ACMG Guidelines, 2015. Collection method: clinical testing. Allele origin: unknown. Affected: yes. Observed: 1 variant allele, 1 heterozygote. Not counted in ClinVar's aggregate classification.
Comment: ACMG categories: PS3,PS4,PM3,PP1,PP4,PP5

Ocular Genomics Institute, Massachusetts Eye and Ear
Classification: Pathogenic for Severe early-childhood-onset retinal dystrophy. Last evaluated: 2021-04-08. Review status: criteria provided, single submitter. Criteria: ACMG Guidelines, 2015. Collection method: research. Allele origin: germline. Affected: yes. Not counted in ClinVar's aggregate classification.
Comment: Through a review of available evidence we were able to apply the following criteria: PM2, PP3, PM3-S, PS3. Based on this evidence we have classified this variant as Pathogenic.

Institute of Medical Genetics and Applied Genomics, University Hospital Tübingen
Classification: Pathogenic. Last evaluated: 2020-10-23. Review status: criteria provided, single submitter. Criteria: ACMG Guidelines, 2015. Collection method: clinical testing. Allele origin: germline. Inheritance: Autosomal recessive inheritance. Affected: yes. Not counted in ClinVar's aggregate classification.

CeGaT Center for Human Genetics Tuebingen
Classification: Pathogenic. Last evaluated: 2020-01-01. Review status: criteria provided, single submitter. Criteria: CeGaT Center For Human Genetics Tuebingen Variant Classification Criteria Version 2. Collection method: clinical testing. Allele origin: germline. Affected: yes. Observed: 2 variant alleles. Not counted in ClinVar's aggregate classification.

Illumina Laboratory Services, Illumina
Classification: Pathogenic for ABCA4-Related Disorders. Last evaluated: 2018-08-14. Review status: criteria provided, single submitter. Criteria: ICSL Variant Classification Criteria 09 May 2019. Collection method: clinical testing. Allele origin: germline. Not counted in ClinVar's aggregate classification.
Comment: Across a selection of the available literature, the ABCA4 c.4469G>A (p.Cys1490Tyr) missense variant has been identified in one individual with cone rod dystrophy in a compound heterozygous state and in eight individuals with Stargardt disease, including in one in a homozygous state, in six in a compound heterozygous state, and in one in a heterozygous state. The individual who was heterozygous for the p.Cys1490Tyr variant also carried two additional variants for which zygosity was not determined (Lewis et al. 1999; Stenirri et al. 2004; Wiszniewski et al. 2005). The p.Cys1490Tyr variant has not been seen in the literature in association with autosomal recessive retinitis pigmentosa or autosomal dominant macular degeneration. The p.Cys1490Tyr variant was absent from 220 controls and is reported at a frequency of 0.00038 in the European (non-Finnish) population of the Exome Aggregation Consortium. Expression of the p.Cys1490Tyr variant protein in HEK293 cells revealed protein levels comparable to wild type but somewhat reduced basal ATPase activity (Sun et al. 2000). Expression in COS7 cells revealed that variant protein resulted in the rate of ATP hydrolysis being decreased to 21.4% of wild type. Expression in transgenic frogs demonstrated that the p.Cys1490Tyr variant protein was mislocalized (Wiszniewski et al. 2005). Based on the collective evidence, the p.Cys1490Tyr variant is classified as pathogenic for ABCA4-related disorders. This variant was observed by ICSL as part of a predisposition screen in an ostensibly healthy population.

Eurofins Ntd Llc (ga)
Classification: Pathogenic. Last evaluated: 2016-03-31. Review status: criteria provided, single submitter. Criteria: EGL Classification Definitions 2015. Collection method: clinical testing. Allele origin: germline. Observed: 9 variant alleles, 9 heterozygotes. Not counted in ClinVar's aggregate classification.

Institute of Human Genetics, Univ. Regensburg, Univ. Regensburg
Classification: Pathogenic for Severe early-childhood-onset retinal dystrophy. Last evaluated: 2016-01-01. Review status: criteria provided, single submitter. Criteria: Schulz et al. (Invest Ophthalmol Vis Sci. 2017). Collection method: clinical testing, in vitro. Allele origin: germline, unknown. Affected: yes. Observed: 2 heterozygotes. Functional consequence: sequence_variant_affecting_splicing. Not counted in ClinVar's aggregate classification.

Genomics England Pilot Project, Genomics England
Classification: Pathogenic for Retinitis pigmentosa 19. Review status: criteria provided, single submitter. Criteria: ACGS Guidelines, 2016. Collection method: clinical testing. Allele origin: germline. Affected: yes. Not counted in ClinVar's aggregate classification.

Department of Clinical Genetics, Copenhagen University Hospital, Rigshospitalet
Classification: Pathogenic for Macular dystrophy. Last evaluated: 2018-04-01. Review status: no assertion criteria provided. Collection method: research. Allele origin: unknown. Affected: yes. Study: VeluxRD. Not counted in ClinVar's aggregate classification.

Centre for Genomic Medicine, Manchester, Central Manchester University Hospitals
Classification: Pathogenic for Retinal dystrophy. Last evaluated: 2015-01-30. Review status: no assertion criteria provided. Collection method: clinical testing. Allele origin: germline. Affected: yes. Not counted in ClinVar's aggregate classification.

NIHR Bioresource Rare Diseases, University of Cambridge
Classification: Likely pathogenic. Last evaluated: 2015-01-01. Review status: no assertion criteria provided. Collection method: research. Allele origin: unknown. Affected: yes. Observed: 2 variant alleles. Not counted in ClinVar's aggregate classification.

Clinical Genetics DNA and cytogenetics Diagnostics Lab, Erasmus MC, Erasmus Medical Center
Classification: Pathogenic. Review status: no assertion criteria provided. Collection method: clinical testing. Allele origin: germline. Affected: yes. Study: VKGL Data-share Consensus. Not counted in ClinVar's aggregate classification.

Genome Diagnostics Laboratory, Amsterdam University Medical Center
Classification: Pathogenic. Review status: no assertion criteria provided. Collection method: clinical testing. Allele origin: germline. Affected: yes. Study: VKGL Data-share Consensus. Not counted in ClinVar's aggregate classification.

Joint Genome Diagnostic Labs from Nijmegen and Maastricht, Radboudumc and MUMC+
Classification: Pathogenic. Review status: no assertion criteria provided. Collection method: clinical testing. Allele origin: germline. Affected: yes. Study: VKGL Data-share Consensus. Not counted in ClinVar's aggregate classification.

Retina International
No classification provided. Review status: no classification provided. Collection method: not provided. Allele origin: not provided. Not counted in ClinVar's aggregate classification.

Literature cited by the submitters: PubMed 16103129 (cited by 7 submitters); PubMed 23695285 (cited by 4 submitters); PubMed 24713488 (cited by 4 submitters); PubMed 25082885 (cited by 4 submitters); PubMed 25472526 (cited by 4 submitters); PubMed 28041643 (cited by 3 submitters); PubMed 11017087 (cited by 5 submitters); PubMed 9973280 (cited by 6 submitters); PubMed 31522899 (cited by Victorian Clinical Genetics Services, Murdoch Childrens Research Institute); PubMed 32913387 (cited by Victorian Clinical Genetics Services, Murdoch Childrens Research Institute); PubMed 37555651 (cited by Victorian Clinical Genetics Services, Murdoch Childrens Research Institute); PubMed 25097241 (cited by Institute of Human Genetics, Univ. Regensburg, Univ. Regensburg and Ocular Genomics Institute, Massachusetts Eye and Ear); PubMed 28118664 (cited by Institute of Human Genetics, Univ. Regensburg, Univ. Regensburg and Ocular Genomics Institute, Massachusetts Eye and Ear); PubMed 30204727 (cited by Institute of Human Genetics, Univ. Regensburg, Univ. Regensburg); PubMed 29310964 (cited by Institute of Human Genetics, Univ. Regensburg, Univ. Regensburg); PubMed 31589614 (cited by Institute of Human Genetics, Univ. Regensburg, Univ. Regensburg); PubMed 29925512 (cited by Institute of Human Genetics, Univ. Regensburg, Univ. Regensburg); PubMed 32619608 (cited by Institute of Human Genetics, Univ. Regensburg, Univ. Regensburg); PubMed 32467599 (cited by Institute of Human Genetics, Univ. Regensburg, Univ. Regensburg); PubMed 31964843 (cited by Institute of Human Genetics, Univ. Regensburg, Univ. Regensburg); PubMed 31429209 (cited by Institute of Human Genetics, Univ. Regensburg, Univ. Regensburg); PubMed 31980526 (cited by Institute of Human Genetics, Univ. Regensburg, Univ. Regensburg); PubMed 32307445 (cited by Institute of Human Genetics, Univ. Regensburg, Univ. Regensburg); PubMed 32581362 (cited by Institute of Human Genetics, Univ. Regensburg, Univ. Regensburg); PubMed 32531858 (cited by Institute of Human Genetics, Univ. Regensburg, Univ. Regensburg); PubMed 33706644 (cited by Institute of Human Genetics, Univ. Regensburg, Univ. Regensburg); PubMed 33749171 (cited by Institute of Human Genetics, Univ. Regensburg, Univ. Regensburg); PubMed 34758253 (cited by Institute of Human Genetics, Univ. Regensburg, Univ. Regensburg); PubMed 36338671 (cited by Institute of Human Genetics, Univ. Regensburg, Univ. Regensburg); PubMed 35119454 (cited by Institute of Human Genetics, Univ. Regensburg, Univ. Regensburg); PubMed 36209838 (cited by Institute of Human Genetics, Univ. Regensburg, Univ. Regensburg); PubMed 36460718 (cited by Institute of Human Genetics, Univ. Regensburg, Univ. Regensburg); PubMed 35456422 (cited by Institute of Human Genetics, Univ. Regensburg, Univ. Regensburg); PubMed 36672815 (cited by Institute of Human Genetics, Univ. Regensburg, Univ. Regensburg); PubMed 30718709 (cited by Ocular Genomics Institute, Massachusetts Eye and Ear and Department of Clinical Genetics, Copenhagen University Hospital, Rigshospitalet); PubMed 26872967 (cited by Ocular Genomics Institute, Massachusetts Eye and Ear and Centre for Genomic Medicine, Manchester, Central Manchester University Hospitals); PubMed 15192030 (cited by Ocular Genomics Institute, Massachusetts Eye and Ear and Illumina Laboratory Services, Illumina).